The following is an entry in ClinVar:

NM_020774.4(MIB1):c.838_841del (p.Thr280fs)

Gene: MIB1 (MIB E3 ubiquitin protein ligase 1; plus strand). Cytogenetic location: 18q11.2.
Variant type: Deletion.
Coding change: c.838_841del on transcript NM_020774.4 (MANE Select); coding-DNA positions 838 to 841, 4 bases deleted (ACTA; older notation c.838_841delACTA).
Protein change: p.Thr280fs; shifts the reading frame from threonine 280.
Molecular consequence: frameshift variant.
Genome position (GRCh38, 1-based): chr18:21,779,615-21,779,618, ACTA deleted; deleting any 4 consecutive bases within chr18:21,779,613-21,779,618 gives the same sequence; the c. name uses the placement nearest the transcript's 3' end. VCF-style (leftmost placement, unchanged base first): chr18-21779612-TTAAC-T. GRCh37 (hg19) VCF-style: chr18-19359573-TTAAC-T.
Other names: c.838_841delACTA, p.Thr280Glnfs (NM_020774.3); short protein forms T280fs.
Identifiers: ClinVar variation 4055773 (VCV004055773.1).

ClinVar aggregate classification (germline): Likely pathogenic (1 of 4 stars; one submission).

Submission:

GeneDx
Classification: Likely pathogenic. Last evaluated: 2025-01-07. Review status: criteria provided, single submitter. Criteria: GeneDx Variant Classification Process June 2021. Collection method: clinical testing. Allele origin: germline. Affected: yes.
Comment: Frameshift variant predicted to result in protein truncation or nonsense mediated decay in a gene for which loss of function is a known mechanism of disease; Not observed at significant frequency in large population cohorts (gnomAD); Reported in a patient with autism spectrum disorder; however, additional clinical information was not provided (PMID: 36368308); This variant is associated with the following publications: (PMID: 36368308)